The following is an entry in ClinVar:

ClinVar aggregate classification (germline): Conflicting classifications of pathogenicity. Review status: criteria provided, conflicting classifications (1 of 4 stars). 3 submissions from 3 submitters: Uncertain significance (2); Likely benign (1). Last evaluated 2026-02-11.

Conditions:
Hereditary cancer-predisposing syndrome. Also called: Neoplastic Syndromes, Hereditary; Tumor predisposition; Hereditary neoplastic syndrome; Hereditary Cancer Syndrome. Identifiers: Orphanet 140162, MedGen C0027672, MeSH D009386, MONDO:0015356.
Familial cancer of breast. Also called: BREAST CANCER, FAMILIAL; hereditary breast carcinoma; Hereditary breast cancer. Identifiers: Orphanet 227535, MedGen C0346153, MONDO:0016419, OMIM 114480. Disease mechanism: loss of function.

Submissions (3):

Ambry Genetics
Classification: Likely benign for Hereditary cancer-predisposing syndrome. Last evaluated: 2026-02-11. Review status: criteria provided, single submitter. Criteria: Ambry Variant Classification Scheme 2023. Collection method: clinical testing. Allele origin: germline.

GeneDx
Classification: Uncertain significance. Last evaluated: 2023-12-20. Review status: criteria provided, single submitter. Criteria: GeneDx Variant Classification Process June 2021. Collection method: clinical testing. Allele origin: germline. Affected: yes.
Comment: Not observed at significant frequency in large population cohorts (gnomAD); In silico analysis supports that this missense variant does not alter protein structure/function; Has not been previously published as pathogenic or benign to our knowledge

Labcorp Genetics (formerly Invitae), Labcorp
Classification: Uncertain significance for Familial cancer of breast. Last evaluated: 2022-07-04. Review status: criteria provided, single submitter. Criteria: Invitae Variant Classification Sherloc (09022015). Collection method: clinical testing. Allele origin: germline.
Comment: ClinVar contains an entry for this variant (Variation ID: 460759). This variant has not been reported in the literature in individuals affected with BARD1-related conditions. This variant is not present in population databases (gnomAD no frequency). This sequence change replaces glycine, which is neutral and non-polar, with aspartic acid, which is acidic and polar, at codon 227 of the BARD1 protein (p.Gly227Asp). Algorithms developed to predict the effect of missense changes on protein structure and function output the following: SIFT: "Tolerated"; PolyPhen-2: "Benign"; Align-GVGD: "Class C0". The aspartic acid amino acid residue is found in multiple mammalian species, which suggests that this missense change does not adversely affect protein function. In summary, the available evidence is currently insufficient to determine the role of this variant in disease. Therefore, it has been classified as a Variant of Uncertain Significance.

NM_000465.4(BARD1):c.680G>A (p.Gly227Asp)

Gene: BARD1 (BRCA1 associated RING domain 1; minus strand). Cytogenetic location: 2q35.
Variant type: single nucleotide variant.
Coding change: c.680G>A on transcript NM_000465.4 (MANE Select); coding-DNA position 680, G replaced by A.
Protein change: p.Gly227Asp; replaces glycine 227 with aspartic acid.
Molecular consequence: missense variant. On other transcripts: non-coding transcript variant (2), intron variant (3).
Genome position (GRCh38, 1-based): chr2:214,781,194, C>T on the plus strand (G>A on the coding strand, the complement: BARD1 is on the minus strand). VCF-style: chr2-214781194-C-T. GRCh37 (hg19) VCF-style: chr2-215645918-C-T.
Other names: c.623G>A, p.Gly208Asp (NM_001282543.2); c.158+28218G>A (NM_001282548.2); c.215+15867G>A (NM_001282545.2); c.364+11103G>A (NM_001282549.2); c.680G>A (NM_000465.2); short protein forms G227D, G208D.
Identifiers: ClinVar variation 460759 (VCV000460759.11), dbSNP rs1553622515, ClinGen allele CA350456441.
Genomic context (GRCh38, chr2:214,781,194, plus strand): 5'-GATGGTTGGCTACAGAAGGATACCAGCTTTTGCTTAGATTCCTCTTTGGAGTCAAATTCA[C>T]CATCTTCTTTTTCTGCCTCTAAATTCCATTTTTGGTTGATTTCAGCTAAAGTTTTCTTTT-3'
Protein context (NP_000456.2, residues 217-237): KWNLEAEKED[Gly227Asp]EFDSKEESKQ